The following is an entry in ClinVar:

ClinVar aggregate classification (germline): Likely benign (1 of 4 stars; one submission).

Submission:

Biesecker Lab/Clinical Genomics Section, National Institutes of Health
Classification: Likely benign. Last evaluated: 2013-06-24. Review status: criteria provided, single submitter. Criteria: Ng et al. (Circ Cardiovasc Genet. 2013). Collection method: research. Allele origin: unknown. Observed: 1 variant allele. Study: ClinSeq.
Comment: The study set was not selected for affection status in relation to any cancer. Pathogenicity categories were based on literature curation. See Pubmed ID:23861362 for details.

Medical sequencing

NM_001267550.2(TTN):c.79699A>G (p.Asn26567Asp)

Genes: TTN (titin; minus strand), TTN-AS1 (TTN antisense RNA 1; plus strand). Cytogenetic location: 2q31.2.
Variant type: single nucleotide variant.
Coding change: c.79699A>G on transcript NM_001267550.2 (MANE Select); coding-DNA position 79699, A replaced by G.
Protein change: p.Asn26567Asp; replaces asparagine 26567 with aspartic acid.
Molecular consequence: missense variant.
Genome position (GRCh38, 1-based): chr2:178,566,433, T>C on the plus strand (A>G on the coding strand, the complement: TTN is on the minus strand). VCF-style: chr2-178566433-T-C. GRCh37 (hg19) VCF-style: chr2-179431160-T-C.
Other names: c.74776A>G, p.Asn24926Asp (NM_001256850.1); c.52504A>G, p.Asn17502Asp (NM_003319.4); c.71995A>G, p.Asn23999Asp (NM_133378.4); c.52879A>G, p.Asn17627Asp (NM_133432.3); c.53080A>G, p.Asn17694Asp (NM_133437.4); short protein forms N23999D, N26567D, N17502D, N17627D, N17694D, N24926D.
Identifiers: ClinVar variation 192151 (VCV000192151.1), dbSNP rs786205324, ClinGen allele CA238474.